The following is an entry in ClinVar:

ClinVar aggregate classification (germline): Uncertain significance (1 of 4 stars; one submission).

Conditions:
Intellectual disability. Also called: intellectual disabilities; Intellectual functioning disability; Intellectual developmental disorder. Identifiers: MedGen C3714756, MeSH D008607, MONDO:0001071, HP:0001249.

Submission:

Labcorp Genetics (formerly Invitae), Labcorp
Classification: Uncertain significance for Intellectual disability. Last evaluated: 2022-08-28. Review status: criteria provided, single submitter. Criteria: Invitae Variant Classification Sherloc (09022015). Collection method: clinical testing. Allele origin: germline.
Comment: In summary, the available evidence is currently insufficient to determine the role of this variant in disease. Therefore, it has been classified as a Variant of Uncertain Significance. Advanced modeling of protein sequence and biophysical properties (such as structural, functional, and spatial information, amino acid conservation, physicochemical variation, residue mobility, and thermodynamic stability) performed at Invitae indicates that this missense variant is expected to disrupt GABRB2 protein function. This variant has not been reported in the literature in individuals affected with GABRB2-related conditions. This variant is not present in population databases (gnomAD no frequency). This sequence change replaces leucine, which is neutral and non-polar, with phenylalanine, which is neutral and non-polar, at codon 234 of the GABRB2 protein (p.Leu234Phe).

NM_001371727.1(GABRB2):c.700C>T (p.Leu234Phe)

Gene: GABRB2 (gamma-aminobutyric acid type A receptor subunit beta2; minus strand). Cytogenetic location: 5q34.
Variant type: single nucleotide variant.
Coding change: c.700C>T on transcript NM_001371727.1 (MANE Select); coding-DNA position 700, C replaced by T.
Protein change: p.Leu234Phe; replaces leucine 234 with phenylalanine.
Molecular consequence: missense variant.
Genome position (GRCh38, 1-based): chr5:161,334,884, G>A on the plus strand (C>T on the coding strand, the complement: GABRB2 is on the minus strand). VCF-style: chr5-161334884-G-A. GRCh37 (hg19) VCF-style: chr5-160761891-G-A.
Other names: c.700C>T, p.Leu234Phe (NM_000813.3, NM_021911.3); short protein forms L234F.
Identifiers: ClinVar variation 1718250 (VCV001718250.6), dbSNP rs2546558269, ClinGen allele CA362171767.
Genomic context (GRCh38, chr5:161,334,884, plus strand): 5'-TGGAAGGCATGTATGTTTGCAGGATAAAGTAGCCAATGTTTCTCTTAAGCTTAAAGCTGA[G>A]GGATAACCTGGGATAGGAACCTAGAAAGGCAATTTTAGAACATCATCATTATCAATCAAT-3'
Protein context (NP_001358656.1, residues 224-244): FSTGSYPRLS[Leu234Phe]SFKLKRNIGY